The following is an entry in ClinVar:

ClinVar aggregate classification (germline): Uncertain significance. Review status: criteria provided, multiple submitters, no conflicts (2 of 4 stars). 2 submissions from 2 submitters: Uncertain significance (2). Last evaluated 2025-04-10.

Conditions:
Inborn genetic diseases. Identifiers: MedGen C0950123, MeSH D030342.

Allele frequency attached by ClinVar (database versions not stated): gnomAD exomes 0.00001; TOPMed 0.00005; gnomAD 0.00006.
gnomAD v4.1: 22 of 1,613,624 alleles (0.0014%); highest among the groups gnomAD compares: Admixed American, 0.035%; no homozygotes.

Submissions (2):

Ambry Genetics
Classification: Uncertain significance for Inborn genetic diseases. Last evaluated: 2025-04-10. Review status: criteria provided, single submitter. Criteria: Ambry Variant Classification Scheme 2023. Collection method: clinical testing. Allele origin: germline.

Labcorp Genetics (formerly Invitae), Labcorp
Classification: Uncertain significance. Last evaluated: 2023-01-16. Review status: criteria provided, single submitter. Criteria: Invitae Variant Classification Sherloc (09022015). Collection method: clinical testing. Allele origin: germline.
Comment: In summary, the available evidence is currently insufficient to determine the role of this variant in disease. Therefore, it has been classified as a Variant of Uncertain Significance. Algorithms developed to predict the effect of missense changes on protein structure and function output the following: SIFT: "Not Available"; PolyPhen-2: "Benign"; Align-GVGD: "Not Available". The proline amino acid residue is found in multiple mammalian species, which suggests that this missense change does not adversely affect protein function. This variant has not been reported in the literature in individuals affected with ALB-related conditions. This variant is present in population databases (no rsID available, gnomAD 0.02%). This sequence change replaces histidine, which is basic and polar, with proline, which is neutral and non-polar, at codon 27 of the ALB protein (p.His27Pro).

NM_000477.7(ALB):c.80A>C (p.His27Pro)

Gene: ALB (albumin; plus strand). Cytogenetic location: 4q13.3.
Variant type: single nucleotide variant.
Coding change: c.80A>C on transcript NM_000477.7 (MANE Select); coding-DNA position 80, A replaced by C.
Protein change: p.His27Pro; replaces histidine 27 with proline.
Molecular consequence: missense variant.
Genome position (GRCh38, 1-based): chr4:73,405,116, A>C. VCF-style: chr4-73405116-A-C. GRCh37 (hg19) VCF-style: chr4-74270833-A-C.
Other names: c.80A>C (NM_000477.5); short protein forms H27P.
Identifiers: ClinVar variation 2883478 (VCV002883478.4), dbSNP rs1269893823, ClinGen allele CA357234713.